The following is an entry in ClinVar:

ClinVar aggregate classification (germline): Uncertain significance. Review status: criteria provided, multiple submitters, no conflicts (2 of 4 stars). 2 submissions from 2 submitters: Uncertain significance (2). Last evaluated 2023-12-08.

Conditions:
Inborn genetic diseases. Identifiers: MedGen C0950123, MeSH D030342.

Allele frequency attached by ClinVar (database versions not stated): gnomAD exomes below 0.00001.
gnomAD v4.1: 5 of 1,613,420 alleles (0.00031%); highest among the groups gnomAD compares: Non-Finnish European, 0.00042%; no homozygotes.

Submissions (2):

Ambry Genetics
Classification: Uncertain significance for Inborn genetic diseases. Last evaluated: 2023-12-08. Review status: criteria provided, single submitter. Criteria: Ambry Variant Classification Scheme 2023. Collection method: clinical testing. Allele origin: germline.

Labcorp Genetics (formerly Invitae), Labcorp
Classification: Uncertain significance. Last evaluated: 2021-11-17. Review status: criteria provided, single submitter. Criteria: Invitae Variant Classification Sherloc (09022015). Collection method: clinical testing. Allele origin: germline.
Comment: In summary, the available evidence is currently insufficient to determine the role of this variant in disease. Therefore, it has been classified as a Variant of Uncertain Significance. Algorithms developed to predict the effect of missense changes on protein structure and function are either unavailable or do not agree on the potential impact of this missense change (SIFT: "Tolerated"; PolyPhen-2: "Not Available"; Align-GVGD: "Class C0"). This variant has not been reported in the literature in individuals affected with PCLO-related conditions. This variant is not present in population databases (gnomAD no frequency). This sequence change replaces proline, which is neutral and non-polar, with leucine, which is neutral and non-polar, at codon 2483 of the PCLO protein (p.Pro2483Leu).

NM_033026.6(PCLO):c.7448C>T (p.Pro2483Leu)

Gene: PCLO (piccolo presynaptic cytomatrix protein; minus strand). Cytogenetic location: 7q21.11.
Variant type: single nucleotide variant.
Coding change: c.7448C>T on transcript NM_033026.6 (MANE Select); coding-DNA position 7448, C replaced by T.
Protein change: p.Pro2483Leu; replaces proline 2483 with leucine.
Molecular consequence: missense variant.
Genome position (GRCh38, 1-based): chr7:82,953,505, G>A on the plus strand (C>T on the coding strand, the complement: PCLO is on the minus strand). VCF-style: chr7-82953505-G-A. GRCh37 (hg19) VCF-style: chr7-82582821-G-A.
Other names: c.7448C>T (NM_033026.5); c.7448C>T, p.Pro2483Leu (NM_014510.3); short protein forms P2483L.
Identifiers: ClinVar variation 1364599 (VCV001364599.7), dbSNP rs1795416012, ClinGen allele CA367916990.